The following is an entry in ClinVar:

NM_001041.4(SI):c.965A>T (p.Asp322Val)

Gene: SI (sucrase-isomaltase; minus strand). Cytogenetic location: 3q26.1.
Variant type: single nucleotide variant.
Coding change: c.965A>T on transcript NM_001041.4 (MANE Select); coding-DNA position 965, A replaced by T.
Protein change: p.Asp322Val; replaces aspartic acid 322 with valine.
Molecular consequence: missense variant.
Genome position (GRCh38, 1-based): chr3:165,062,426, T>A on the plus strand (A>T on the coding strand, the complement: SI is on the minus strand). VCF-style: chr3-165062426-T-A. GRCh37 (hg19) VCF-style: chr3-164780214-T-A.
Other names: short protein forms D322V.
Identifiers: ClinVar variation 1508067 (VCV001508067.6), dbSNP rs751813346, ClinGen allele CA2691238.

ClinVar aggregate classification (germline): Uncertain significance (1 of 4 stars; one submission).

Allele frequency attached by ClinVar (database versions not stated): ExAC 0.00001; gnomAD exomes 0.00001; gnomAD 0.00001; TOPMed 0.00001.
gnomAD v4.1: 12 of 1,606,840 alleles (0.00075%); highest among the groups gnomAD compares: Middle Eastern, 0.017%; no homozygotes.

Submission:

Labcorp Genetics (formerly Invitae), Labcorp
Classification: Uncertain significance. Last evaluated: 2024-09-23. Review status: criteria provided, single submitter. Criteria: Invitae Variant Classification Sherloc (09022015). Collection method: clinical testing. Allele origin: germline.
Comment: This sequence change replaces aspartic acid, which is acidic and polar, with valine, which is neutral and non-polar, at codon 322 of the SI protein (p.Asp322Val). This variant is present in population databases (rs751813346, gnomAD 0.002%). This variant has not been reported in the literature in individuals affected with SI-related conditions. ClinVar contains an entry for this variant (Variation ID: 1508067). Invitae Evidence Modeling of protein sequence and biophysical properties (such as structural, functional, and spatial information, amino acid conservation, physicochemical variation, residue mobility, and thermodynamic stability) has been performed for this missense variant. However, the output from this modeling did not meet the statistical confidence thresholds required to predict the impact of this variant on SI protein function. In summary, the available evidence is currently insufficient to determine the role of this variant in disease. Therefore, it has been classified as a Variant of Uncertain Significance.